The following is an entry in ClinVar:

ClinVar aggregate classification (germline): Uncertain significance. Review status: criteria provided, multiple submitters, no conflicts (2 of 4 stars). 2 submissions from 2 submitters: Uncertain significance (2). Last evaluated 2024-11-24.

Conditions:
Epsilon-trimethyllysine hydroxylase deficiency. Also called: Autism, susceptibility to, X-linked 6. Identifiers: MedGen C3550875, MONDO:0010469, OMIM 300872.

Allele frequency attached by ClinVar (database versions not stated): gnomAD exomes below 0.00001.
gnomAD v4.1: 5 of 1,210,982 alleles (0.00041%); highest among the groups gnomAD compares: Middle Eastern, 0.046%; no homozygotes.

Submissions (2):

Ambry Genetics
Classification: Uncertain significance. Last evaluated: 2024-11-24. Review status: criteria provided, single submitter. Criteria: Ambry Variant Classification Scheme 2023. Collection method: clinical testing. Allele origin: germline.

MGZ Medical Genetics Center
Classification: Uncertain significance for Epsilon-trimethyllysine hydroxylase deficiency. Last evaluated: 2021-08-23. Review status: criteria provided, single submitter. Criteria: ACMG Guidelines, 2015. Collection method: clinical testing. Allele origin: germline. Affected: yes. Observed: 1 variant allele.
Comment: ACMG criteria applied: PM2_SUP, BP4

NM_018196.4(TMLHE):c.523G>A (p.Glu175Lys)

Gene: TMLHE (trimethyllysine hydroxylase, epsilon; minus strand). Cytogenetic location: Xq28.
Variant type: single nucleotide variant.
Coding change: c.523G>A on transcript NM_018196.4 (MANE Select); coding-DNA position 523, G replaced by A.
Protein change: p.Glu175Lys; replaces glutamic acid 175 with lysine.
Molecular consequence: missense variant.
Genome position (GRCh38, 1-based): chrX:155,514,101, C>T on the plus strand (G>A on the coding strand, the complement: TMLHE is on the minus strand). VCF-style: chrX-155514101-C-T. GRCh37 (hg19) VCF-style: chrX-154743762-C-T.
Other names: c.523G>A, p.Glu175Lys (NM_001184797.2); c.523G>A (NM_018196.3); short protein forms E175K.
Identifiers: ClinVar variation 1709697 (VCV001709697.3), dbSNP rs2067136066, ClinGen allele CA414940201.